The following is an entry in ClinVar:

ClinVar aggregate classification (germline): Likely pathogenic (1 of 4 stars; one submission).

Conditions:
Melanoma, cutaneous malignant, susceptibility to, 8. Also called: MELANOMA AND RENAL CELL CARCINOMA, SUSCEPTIBILITY TO; Cutaneous malignant melanoma 8. Identifiers: Orphanet 293822, MedGen C3152204, MONDO:0013759, OMIM 614456.
Tietz syndrome (TADS). Also called: ALBINISM-DEAFNESS OF TIETZ; HYPOPIGMENTATION/DEAFNESS OF TIETZ; TIETZ ALBINISM-DEAFNESS SYNDROME. Identifiers: Orphanet 42665, MedGen C0391816, MONDO:0007077, OMIM 103500.
Waardenburg syndrome type 2A (WS2A). Also called: WAARDENBURG SYNDROME WITHOUT DYSTOPIA CANTHORUM. Identifiers: Orphanet 3440, MedGen C1860339, MONDO:0008671, OMIM 193510.

gnomAD v4.1: 1 of 1,612,934 alleles (0.000062%); highest among the groups gnomAD compares: South Asian, 0.0011%; no homozygotes.

Submission:

Labcorp Genetics (formerly Invitae), Labcorp
Classification: Likely pathogenic for Melanoma, cutaneous malignant, susceptibility to, 8; Waardenburg syndrome type 2A; Tietz syndrome. Last evaluated: 2025-04-02. Review status: criteria provided, single submitter. Criteria: Invitae Variant Classification Sherloc (09022015). Collection method: clinical testing. Allele origin: germline.
Comment: This sequence change affects an acceptor splice site in intron 5 of the MITF gene. It is expected to disrupt RNA splicing. Variants that disrupt the donor or acceptor splice site typically lead to a loss of protein function (PMID: 16199547), and loss-of-function variants in MITF are known to be pathogenic (PMID: 8659547, 20127975). This variant is not present in population databases (gnomAD no frequency). This variant has not been reported in the literature in individuals affected with MITF-related conditions. Algorithms developed to predict the effect of sequence changes on RNA splicing suggest that this variant may disrupt the consensus splice site. In summary, the currently available evidence indicates that the variant is pathogenic, but additional data are needed to prove that conclusively. Therefore, this variant has been classified as Likely Pathogenic.

Literature cited by the submitters: PubMed 16199547; PubMed 8659547; PubMed 20127975.

NM_001354604.2(MITF):c.881-2A>G

Gene: MITF (melanocyte inducing transcription factor; plus strand). Cytogenetic location: 3p13.
Variant type: single nucleotide variant.
Coding change: c.881-2A>G on transcript NM_001354604.2 (MANE Select); the canonical splice acceptor site of the intron before coding-DNA position 881, A replaced by G.
Molecular consequence: splice acceptor variant. On other transcripts: intron variant (9).
Genome position (GRCh38, 1-based): chr3:69,951,810, A>G. VCF-style: chr3-69951810-A-G. GRCh37 (hg19) VCF-style: chr3-70000961-A-G.
Other names: c.830-20A>G (NM_001354607.2); c.725-20A>G (NM_001354608.2, NM_001184967.2); c.881-20A>G (NM_198159.3); c.878-2A>G (NM_001354605.2); c.878-20A>G (NM_001354606.2, NM_006722.3); c.833-20A>G (NM_198177.3); c.560-2A>G (NM_000248.4); c.560-20A>G (NM_198158.3); and 1 more.
Identifiers: ClinVar variation 4791339 (VCV004791339.1).